The following is an entry in ClinVar:

ClinVar aggregate classification (germline): Uncertain significance. Review status: criteria provided, multiple submitters, no conflicts (2 of 4 stars). 3 submissions from 3 submitters: Uncertain significance (3). Last evaluated 2026-02-10.

Conditions:
Cortical dysplasia-focal epilepsy syndrome (PTHSL1). Also called: Pitt-Hopkins-like syndrome 1. Identifiers: Orphanet 163681, Orphanet 221150, MedGen C2750246, MONDO:0012400, OMIM 610042.
Inborn genetic diseases. Identifiers: MedGen C0950123, MeSH D030342.

Allele frequency attached by ClinVar (database versions not stated): gnomAD 0.00019; 1000 Genomes Project 0.00020; 1000 Genomes Project 30x 0.00016; TOPMed 0.00016.
gnomAD v4.1: 46 of 1,614,108 alleles (0.0028%); highest among the groups gnomAD compares: African/African-American, 0.056%; no homozygotes.

Submissions (3):

Ambry Genetics
Classification: Uncertain significance for Inborn genetic diseases. Last evaluated: 2026-02-10. Review status: criteria provided, single submitter. Criteria: Ambry Variant Classification Scheme 2023. Collection method: clinical testing. Allele origin: germline.
Comment: The c.2288A>G (p.D763G) alteration is located in exon 15 (coding exon 15) of the CNTNAP2 gene. This alteration results from a A to G substitution at nucleotide position 2288, causing the aspartic acid (D) at amino acid position 763 to be replaced by a glycine (G). Based on data from gnomAD, the G allele has an overall frequency of 0.004% (11/282846) total alleles studied. The highest observed frequency was 0.04% (10/24970) of African alleles. This amino acid position is well conserved in available vertebrate species. This alteration is predicted to be tolerated by in silico analysis. Based on insufficient or conflicting evidence, the clinical significance of this alteration remains unclear.

Labcorp Genetics (formerly Invitae), Labcorp
Classification: Uncertain significance for Cortical dysplasia-focal epilepsy syndrome. Last evaluated: 2025-04-10. Review status: criteria provided, single submitter. Criteria: Invitae Variant Classification Sherloc (09022015). Collection method: clinical testing. Allele origin: germline.
Comment: This sequence change replaces aspartic acid, which is acidic and polar, with glycine, which is neutral and non-polar, at codon 763 of the CNTNAP2 protein (p.Asp763Gly). This variant is present in population databases (rs201483304, gnomAD 0.05%). This variant has not been reported in the literature in individuals affected with CNTNAP2-related conditions. ClinVar contains an entry for this variant (Variation ID: 420314). An algorithm developed to predict the effect of missense changes on protein structure and function (PolyPhen-2) suggests that this variant is likely to be tolerated. In summary, the available evidence is currently insufficient to determine the role of this variant in disease. Therefore, it has been classified as a Variant of Uncertain Significance.

GeneDx
Classification: Uncertain significance. Last evaluated: 2017-02-06. Review status: criteria provided, single submitter. Criteria: GeneDx Variant Classification (06012015). Collection method: clinical testing. Allele origin: germline. Affected: yes.
Comment: A variant of uncertain significance has been identified in the CNTNAP2 gene. The D763G variant has not beenpublished as a pathogenic variant, nor has it been reported as a benign variant to our knowledge. The D763G variantwas not observed in approximately 6,500 individuals of European and African American ancestry in the NHLBIExome Sequencing Project and was not observed with any significant frequency in the 1000 Genomes Project. TheD763G variant is a non-conservative amino acid substitution, which is likely to impact secondary protein structure asthese residues differ in polarity, charge, size and/or other properties. This substitution occurs at a position whereamino acids with similar properties to Aspartic acid are tolerated across species. In silico analysis is inconsistent inits predictions as to whether or not the variant is damaging to the protein structure/function. Based on the currentlyavailable information, it is unclear whether this variant is a pathogenic variant or a rare benign variant.

NM_014141.6(CNTNAP2):c.2288A>G (p.Asp763Gly)

Gene: CNTNAP2 (contactin associated protein 2; plus strand). Cytogenetic location: 7q35.
Variant type: single nucleotide variant.
Coding change: c.2288A>G on transcript NM_014141.6 (MANE Select); coding-DNA position 2288, A replaced by G.
Protein change: p.Asp763Gly; replaces aspartic acid 763 with glycine.
Molecular consequence: missense variant.
Genome position (GRCh38, 1-based): chr7:147,977,894, A>G. VCF-style: chr7-147977894-A-G. GRCh37 (hg19) VCF-style: chr7-147674986-A-G.
Other names: short protein forms D763G.
Identifiers: ClinVar variation 420314 (VCV000420314.11), dbSNP rs201483304, ClinGen allele CA4546367.